The following is an entry in ClinVar:

NM_001197104.2(KMT2A):c.3560A>T (p.Gln1187Leu)

Gene: KMT2A (lysine methyltransferase 2A; plus strand). Cytogenetic location: 11q23.3.
Variant type: single nucleotide variant.
Coding change: c.3560A>T on transcript NM_001197104.2 (MANE Select); coding-DNA position 3560, A replaced by T.
Protein change: p.Gln1187Leu; replaces glutamine 1187 with leucine.
Molecular consequence: missense variant.
Genome position (GRCh38, 1-based): chr11:118,478,192, A>T. VCF-style: chr11-118478192-A-T. GRCh37 (hg19) VCF-style: chr11-118348907-A-T.
Other names: c.3560A>T, p.Gln1187Leu (NM_005933.4); short protein forms Q1187L.
Identifiers: ClinVar variation 280730 (VCV000280730.2), dbSNP rs886041881, ClinGen allele CA10603240.

ClinVar aggregate classification (germline): Pathogenic (1 of 4 stars; one submission).

Submission:

GeneDx
Classification: Pathogenic. Last evaluated: 2016-07-15. Review status: criteria provided, single submitter. Criteria: GeneDx Variant Classification (06012015). Collection method: clinical testing. Allele origin: germline. Affected: yes.
Comment: The Q1187L pathogenic variant in the KMT2A gene has not been reported previously as a pathogenic variant nor as a benign variant, to our knowledge. This variant was not observed in approximately 6500 individuals of European and African American ancestry in the NHLBI Exome Sequencing Project, indicating it is not a common benign variant in these populations. The Q1187L variant is a non-conservative amino acid substitution, which is likely to impact secondary protein structure as these residues differ in polarity, charge, size and/or other properties. This substitution occurs at a position that is conserved across species, and has been demonstrated to be an important residue for MLL/KMT2A binding, with disruptions of the residue resulting in decreased MLL binding (Allen et al., 2006; Cierpicki et al., 2009). In silico analysis predicts this variant is probably damaging to the protein structure/function. We interpret Q1187L as a pathogenic variant.